The following is an entry in ClinVar:

ClinVar aggregate classification (germline): Conflicting classifications of pathogenicity. Review status: criteria provided, conflicting classifications (1 of 4 stars). 10 submissions from 10 submitters: Uncertain significance (8); Likely benign (1). 1 of the submissions does not count toward it. Last evaluated 2026-01-11.

Conditions:
Juvenile polyposis syndrome (JPS). Identifiers: Orphanet 2929, MedGen C0345893, MONDO:0017380, OMIM 174900.
BMPR1A-related disorder. Also called: BMPR1A-related condition.
Hereditary cancer-predisposing syndrome. Also called: Neoplastic Syndromes, Hereditary; Tumor predisposition; Hereditary Cancer Syndrome; Hereditary neoplastic syndrome. Identifiers: Orphanet 140162, MedGen C0027672, MeSH D009386, MONDO:0015356.
Polyposis syndrome, hereditary mixed, 2. Identifiers: Orphanet 157794, MedGen C1864730, MONDO:0012405, OMIM 610069.

Allele frequency attached by ClinVar (database versions not stated): TOPMed below 0.00001; gnomAD 0.00001 and 0.00003; 1000 Genomes Project 30x 0.00016; 1000 Genomes Project 0.00020.
gnomAD v4.1: 5 of 1,613,942 alleles (0.00031%); highest among the groups gnomAD compares: East Asian, 0.0022%; no homozygotes.

Submissions (10):

PreventionGenetics, part of Exact Sciences
Classification: Uncertain significance for BMPR1A-related condition. Last evaluated: 2026-01-11. Review status: criteria provided, single submitter. Criteria: ACMG Guidelines, 2015. Collection method: clinical testing. Allele origin: germline.
Comment: The BMPR1A c.569A>G variant is predicted to result in the amino acid substitution p.Asn190Ser. To our knowledge, this variant has not been reported in the literature. This variant is reported in 0.0050% of alleles in individuals of East Asian descent in gnomAD and has conflicting interpretations in ClinVar, ranging from uncertain to likely benign (Variation ID: 136051). At this time, the clinical significance of this variant is uncertain due to the absence of conclusive functional and genetic evidence.

Women's Health and Genetics/Laboratory Corporation of America, LabCorp
Classification: Uncertain significance. Last evaluated: 2025-12-22. Review status: criteria provided, single submitter. Criteria: LabCorp Variant Classification Summary - May 2015. Collection method: clinical testing. Allele origin: germline.
Comment: Variant summary: BMPR1A c.569A>G (p.Asn190Ser) results in a conservative amino acid change in the encoded protein sequence. Algorithms developed to predict the effect of missense changes on protein structure and function are either unavailable or do not agree on the potential impact of this missense change. The variant allele was found at a frequency of 8e-06 in 251366 control chromosomes. The available data on variant occurrences in the general population are insufficient to allow any conclusion about variant significance. c.569A>G has been reported in the literature in individuals affected with Pancreatic Cancer (example, Singh_2023). These report(s) do not provide unequivocal conclusions about association of the variant with Pancreatic Cancer. To our knowledge, no experimental evidence demonstrating an impact on protein function has been reported. The following publication has been ascertained in the context of this evaluation (PMID: 37463056). ClinVar contains an entry for this variant (Variation ID: 136051). Based on the evidence outlined above, the variant was classified as uncertain significance.

Quest Diagnostics Nichols Institute San Juan Capistrano
Classification: Uncertain significance. Last evaluated: 2025-10-07. Review status: criteria provided, single submitter. Criteria: Quest Diagnostics criteria. Collection method: clinical testing. Allele origin: unknown.
Comment: The BMPR1A c.569A>G (p.Asn190Ser) variant has not been reported in individuals with BMPR1A-related conditions in the published literature. The frequency of this variant in the general population (Genome Aggregation Database) is uninformative in the assessment of its pathogenicity. Analysis of this variant using bioinformatics tools for the prediction of the effect of amino acid changes on protein structure and function yielded predictions that this variant is benign. Based on the available information, we are unable to determine the clinical significance of this variant.

Labcorp Genetics (formerly Invitae), Labcorp
Classification: Uncertain significance for Juvenile polyposis syndrome. Last evaluated: 2025-09-07. Review status: criteria provided, single submitter. Criteria: Invitae Variant Classification Sherloc (09022015). Collection method: clinical testing. Allele origin: germline.
Comment: This sequence change replaces asparagine, which is neutral and polar, with serine, which is neutral and polar, at codon 190 of the BMPR1A protein (p.Asn190Ser). This variant is present in population databases (rs574229174, gnomAD 0.003%). This variant has not been reported in the literature in individuals affected with BMPR1A-related conditions. ClinVar contains an entry for this variant (Variation ID: 136051). Invitae Evidence Modeling incorporating data from in vitro experimental studies (internal data) indicates that this missense variant is not expected to disrupt BMPR1A function with a negative predictive value of 95%. In summary, the available evidence is currently insufficient to determine the role of this variant in disease. Therefore, it has been classified as a Variant of Uncertain Significance.

Ambry Genetics
Classification: Likely benign for Hereditary cancer-predisposing syndrome. Last evaluated: 2024-08-06. Review status: criteria provided, single submitter. Criteria: Ambry Variant Classification Scheme 2023. Collection method: clinical testing. Allele origin: germline.

Color Diagnostics, LLC DBA Color Health
Classification: Uncertain significance for Hereditary cancer-predisposing syndrome. Last evaluated: 2024-03-06. Review status: criteria provided, single submitter. Criteria: ACMG Guidelines, 2015. Collection method: clinical testing. Allele origin: germline.
Comment: This missense variant replaces asparagine with serine at codon 190 of the BMPR1A protein. Computational prediction suggests that this variant may not impact protein structure and function (internally defined REVEL score threshold <= 0.5, PMID: 27666373). To our knowledge, functional studies have not been reported for this variant. This variant has not been reported in individuals affected with hereditary cancer in the literature. This variant has been identified in 3/282754 chromosomes in the general population by the Genome Aggregation Database (gnomAD). The available evidence is insufficient to determine the role of this variant in disease conclusively. Therefore, this variant is classified as a Variant of Uncertain Significance.

Baylor Genetics
Classification: Uncertain significance for Polyposis syndrome, hereditary mixed, 2. Last evaluated: 2023-08-30. Review status: criteria provided, single submitter. Criteria: ACMG Guidelines, 2015. Collection method: clinical testing. Allele origin: unknown.

GeneDx
Classification: Uncertain significance. Last evaluated: 2023-05-31. Review status: criteria provided, single submitter. Criteria: GeneDx Variant Classification Process June 2021. Collection method: clinical testing. Allele origin: germline. Affected: yes.
Comment: Not observed at significant frequency in large population cohorts (gnomAD); In silico analysis supports that this missense variant does not alter protein structure/function; Has not been previously published as pathogenic or benign to our knowledge; This variant is associated with the following publications: (PMID: 28569743)

Myriad Genetics, Inc.
Classification: Uncertain significance for Juvenile polyposis syndrome. Last evaluated: 2023-03-02. Review status: criteria provided, single submitter. Criteria: Myriad Autosomal Dominant, Autosomal Recessive and X-Linked Classification Criteria (2023). Collection method: clinical testing. Allele origin: unknown.
Comment: This variant is classified as a variant of uncertain significance as there is insufficient evidence to determine its impact on protein function and/or cancer risk.

Counsyl
Classification: Uncertain significance for Juvenile polyposis syndrome. Last evaluated: 2016-06-23. Review status: no assertion criteria provided. Collection method: clinical testing. Allele origin: unknown. Not counted in ClinVar's aggregate classification.

Literature cited by the submitters: PubMed 37463056 (cited by Women's Health and Genetics/Laboratory Corporation of America, LabCorp and Quest Diagnostics Nichols Institute San Juan Capistrano).

NM_004329.3(BMPR1A):c.569A>G (p.Asn190Ser)

Gene: BMPR1A (bone morphogenetic protein receptor type 1A; plus strand). Cytogenetic location: 10q23.2.
Variant type: single nucleotide variant.
Coding change: c.569A>G on transcript NM_004329.3 (MANE Select); coding-DNA position 569, A replaced by G.
Protein change: p.Asn190Ser; replaces asparagine 190 with serine.
Molecular consequence: missense variant.
Genome position (GRCh38, 1-based): chr10:86,912,278, A>G. VCF-style: chr10-86912278-A-G. GRCh37 (hg19) VCF-style: chr10-88672035-A-G.
Other names: short protein forms N190S.
Identifiers: ClinVar variation 136051 (VCV000136051.27), dbSNP rs574229174, ClinGen allele CA198309.